The following is an entry in ClinVar:

ClinVar aggregate classification (germline): Uncertain significance (1 of 4 stars; one submission).

Conditions:
ANKRD1-related dilated cardiomyopathy. Identifiers: MedGen CN119551.

Submission:

Labcorp Genetics (formerly Invitae), Labcorp
Classification: Uncertain significance for ANKRD1-related dilated cardiomyopathy. Last evaluated: 2024-02-24. Review status: criteria provided, single submitter. Criteria: Invitae Variant Classification Sherloc (09022015). Collection method: clinical testing. Allele origin: germline.
Comment: This sequence change replaces glutamic acid, which is acidic and polar, with isoleucine, which is neutral and non-polar, at codon 76 of the ANKRD1 protein (p.Glu76Ile). Information on the frequency of this variant in the gnomAD database is not available, as this variant may be reported differently in the database. This variant has not been reported in the literature in individuals affected with ANKRD1-related conditions. ClinVar contains an entry for this variant (Variation ID: 843168). An algorithm developed to predict the effect of missense changes on protein structure and function (PolyPhen-2) suggests that this variant is likely to be disruptive. In summary, the available evidence is currently insufficient to determine the role of this variant in disease. Therefore, it has been classified as a Variant of Uncertain Significance.

NM_014391.3(ANKRD1):c.226_227delinsAT (p.Glu76Ile)

Gene: ANKRD1 (ankyrin repeat domain 1; minus strand). Cytogenetic location: 10q23.31.
Variant type: Indel.
Coding change: c.226_227delinsAT on transcript NM_014391.3 (MANE Select); coding-DNA positions 226 to 227, GA replaced by AT.
Protein change: p.Glu76Ile; replaces glutamic acid 76 with isoleucine.
Molecular consequence: missense variant.
Genome position (GRCh38, 1-based): chr10:90,919,249-90,919,250, TC replaced by AT on the plus strand (GA replaced by AT on the coding strand, the reverse complement: ANKRD1 is on the minus strand). VCF-style: chr10-90919249-TC-AT. GRCh37 (hg19) VCF-style: chr10-92679006-TC-AT.
Other names: short protein forms E76I.
Identifiers: ClinVar variation 843168 (VCV000843168.8), dbSNP rs1847407360, ClinGen allele CA916081613.